The following is an entry in ClinVar:

NM_021116.4(ADCY1):c.2049C>G (p.Ile683Met)

Gene: ADCY1 (adenylate cyclase 1; plus strand). Cytogenetic location: 7p12.3.
Variant type: single nucleotide variant.
Coding change: c.2049C>G on transcript NM_021116.4 (MANE Select); coding-DNA position 2049, C replaced by G.
Protein change: p.Ile683Met; replaces isoleucine 683 with methionine.
Molecular consequence: missense variant.
Genome position (GRCh38, 1-based): chr7:45,685,044, C>G. VCF-style: chr7-45685044-C-G. GRCh37 (hg19) VCF-style: chr7-45724643-C-G.
Other names: short protein forms I683M.
Identifiers: ClinVar variation 2008429 (VCV002008429.4), dbSNP rs2484164417, ClinGen allele CA367438252.
Genomic context (GRCh38, chr7:45,685,044, plus strand): 5'-TCCAGGGTGCCTGACGATTCAGATTCGCACTGTCCTGTGTATTTTCATAGTGGTCTTAAT[C>G]TACTCAGTAGCCCAAGGTTGTGTGGTGAGCATCTCCAGCTTGTGGCATGCGCTGGGGCGG-3'
Protein context (NP_066939.1, residues 673-693): TVLCIFIVVL[Ile683Met]YSVAQGCVVG

ClinVar aggregate classification (germline): Uncertain significance (1 of 4 stars; one submission).

Submission:

Labcorp Genetics (formerly Invitae), Labcorp
Classification: Uncertain significance. Last evaluated: 2025-09-02. Review status: criteria provided, single submitter. Criteria: Invitae Variant Classification Sherloc (09022015). Collection method: clinical testing. Allele origin: germline.
Comment: This sequence change replaces isoleucine, which is neutral and non-polar, with methionine, which is neutral and non-polar, at codon 683 of the ADCY1 protein (p.Ile683Met). This variant is not present in population databases (gnomAD no frequency). This variant has not been reported in the literature in individuals affected with ADCY1-related conditions. ClinVar contains an entry for this variant (Variation ID: 2008429). Invitae Evidence Modeling of protein sequence and biophysical properties (such as structural, functional, and spatial information, amino acid conservation, physicochemical variation, residue mobility, and thermodynamic stability) indicates that this missense variant is not expected to disrupt ADCY1 protein function with a negative predictive value of 80%. In summary, the available evidence is currently insufficient to determine the role of this variant in disease. Therefore, it has been classified as a Variant of Uncertain Significance.